The following is an entry in ClinVar:

NM_178822.5(IGSF10):c.715+1G>C

Gene: IGSF10 (immunoglobulin superfamily member 10; minus strand). Cytogenetic location: 3q25.1.
Variant type: single nucleotide variant.
Coding change: c.715+1G>C on transcript NM_178822.5 (MANE Select); the canonical splice donor site of the intron after coding-DNA position 715, G replaced by C.
Molecular consequence: splice donor variant.
Genome position (GRCh38, 1-based): chr3:151,453,383, C>G on the plus strand (G>C on the coding strand, the complement: IGSF10 is on the minus strand). VCF-style: chr3-151453383-C-G. GRCh37 (hg19) VCF-style: chr3-151171171-C-G.
Other names: c.715+1G>C (NM_001385061.1, NM_001385060.1, NM_001385062.1 and 1 more transcripts).
Identifiers: ClinVar variation 1963951 (VCV001963951.5), dbSNP rs748018514, ClinGen allele CA355003973.

ClinVar aggregate classification (germline): Uncertain significance (1 of 4 stars; one submission).

gnomAD v4.1: 1 of 1,574,882 alleles (0.000063%); highest among the groups gnomAD compares: Non-Finnish European, 0.000086%; no homozygotes.

Submission:

Labcorp Genetics (formerly Invitae), Labcorp
Classification: Uncertain significance. Last evaluated: 2022-10-13. Review status: criteria provided, single submitter. Criteria: Invitae Variant Classification Sherloc (09022015). Collection method: clinical testing. Allele origin: germline.
Comment: This sequence change affects a donor splice site in intron 3 of the IGSF10 gene. It is expected to disrupt RNA splicing. Variants that disrupt the donor or acceptor splice site typically lead to a loss of protein function (PMID: 16199547), however the current clinical and genetic evidence is not sufficient to establish whether loss-of-function variants in IGSF10 cause disease. This variant is not present in population databases (gnomAD no frequency). This variant has not been reported in the literature in individuals affected with IGSF10-related conditions. Algorithms developed to predict the effect of sequence changes on RNA splicing suggest that this variant may disrupt the consensus splice site. In summary, the available evidence is currently insufficient to determine the role of this variant in disease. Therefore, it has been classified as a Variant of Uncertain Significance.

Literature cited by the submitters: PubMed 16199547.